The following is an entry in ClinVar:

NM_001127178.3(PIGG):c.751C>G (p.Gln251Glu)

Gene: PIGG (phosphatidylinositol glycan anchor biosynthesis class G (EMM blood group); plus strand). Cytogenetic location: 4p16.3.
Variant type: single nucleotide variant.
Coding change: c.751C>G on transcript NM_001127178.3 (MANE Select); coding-DNA position 751, C replaced by G.
Protein change: p.Gln251Glu; replaces glutamine 251 with glutamic acid.
Molecular consequence: missense variant. On other transcripts: 5 prime UTR variant (4), non-coding transcript variant (10), intron variant (1).
Genome position (GRCh38, 1-based): chr4:507,585, C>G. VCF-style: chr4-507585-C-G. GRCh37 (hg19) VCF-style: chr4-501374-C-G.
Other names: c.751C>G (NM_001127178.1); c.484C>G, p.Gln162Glu (NM_001289051.2, NM_001289053.2, NM_001289057.2 and 2 more transcripts); c.385C>G, p.Gln129Glu (NM_001289055.2); c.-137C>G (NM_001345988.2); c.751C>G, p.Gln251Glu (NM_001345989.2, NM_017733.5); c.-875C>G (NM_001345990.2); c.-737C>G (NM_001345991.2); c.-462C>G (NM_001345994.2); and 1 more; short protein forms Q162E, Q251E, Q129E.
Identifiers: ClinVar variation 1510360 (VCV001510360.9), dbSNP rs782797418, ClinGen allele CA355898000.

ClinVar aggregate classification (germline): Uncertain significance. Review status: criteria provided, multiple submitters, no conflicts (2 of 4 stars). 2 submissions from 2 submitters: Uncertain significance (2). Last evaluated 2022-12-19.

Conditions:
Intellectual disability, autosomal recessive 53 (NEDHSCA). Also called: GLYCOSYLPHOSPHATIDYLINOSITOL BIOSYNTHESIS DEFECT 13; Mental retardation, autosomal recessive 53; NEURODEVELOPMENTAL DISORDER WITH OR WITHOUT HYPOTONIA, SEIZURES, AND CEREBELLAR ATROPHY. Identifiers: Orphanet 488635, MedGen C4310794, MONDO:0014832, OMIM 616917.
Inborn genetic diseases. Identifiers: MedGen C0950123, MeSH D030342.

Allele frequency attached by ClinVar (database versions not stated): TOPMed 0.00002.

Submissions (2):

Ambry Genetics
Classification: Uncertain significance for Inborn genetic diseases. Last evaluated: 2022-12-19. Review status: criteria provided, single submitter. Criteria: Ambry Variant Classification Scheme 2023. Collection method: clinical testing. Allele origin: germline.

Labcorp Genetics (formerly Invitae), Labcorp
Classification: Uncertain significance for Intellectual disability, autosomal recessive 53. Last evaluated: 2021-02-15. Review status: criteria provided, single submitter. Criteria: Invitae Variant Classification Sherloc (09022015). Collection method: clinical testing. Allele origin: germline.
Comment: In summary, the available evidence is currently insufficient to determine the role of this variant in disease. Therefore, it has been classified as a Variant of Uncertain Significance. Algorithms developed to predict the effect of missense changes on protein structure and function (SIFT, PolyPhen-2, Align-GVGD) all suggest that this variant is likely to be tolerated, but these predictions have not been confirmed by published functional studies and their clinical significance is uncertain. This variant has not been reported in the literature in individuals with PIGG-related conditions. This variant is not present in population databases (ExAC no frequency). This sequence change replaces glutamine with glutamic acid at codon 251 of the PIGG protein (p.Gln251Glu). The glutamine residue is weakly conserved and there is a small physicochemical difference between glutamine and glutamic acid.